The following is an entry in ClinVar:

ClinVar aggregate classification (germline): Pathogenic (1 of 4 stars; one submission).

Conditions:
Neurofibromatosis, type 2 (SWNV). Also called: BILATERAL ACOUSTIC NEUROFIBROMATOSIS; NF2-Related Schwannomatosis; SCHWANNOMATOSIS, VESTIBULAR. Identifiers: Orphanet 637, MedGen C0027832, MONDO:0007039, OMIM 101000. Disease mechanism: loss of function.

Submission:

Labcorp Genetics (formerly Invitae), Labcorp
Classification: Pathogenic for Neurofibromatosis, type 2. Last evaluated: 2022-12-22. Review status: criteria provided, single submitter. Criteria: Invitae Variant Classification Sherloc (09022015). Collection method: clinical testing. Allele origin: germline.
Comment: For these reasons, this variant has been classified as Pathogenic. This variant has not been reported in the literature in individuals affected with NF2-related conditions. This variant is not present in population databases (gnomAD no frequency). This sequence change creates a premature translational stop signal (p.Ile5Metfs*44) in the NF2 gene. It is expected to result in an absent or disrupted protein product. Loss-of-function variants in NF2 are known to be pathogenic (PMID: 9643284, 16983642).

Literature cited by the submitters: PubMed 9643284; PubMed 16983642.

NM_000268.4(NF2):c.14_15insG (p.Ile5fs)

Gene: NF2 (NF2, moesin-ezrin-radixin like (MERLIN) tumor suppressor; plus strand). Cytogenetic location: 22q12.2.
Variant type: Insertion.
Coding change: c.14_15insG on transcript NM_000268.4 (MANE Select); coding-DNA positions 14 to 15, G inserted.
Protein change: p.Ile5fs; shifts the reading frame from isoleucine 5.
Molecular consequence: frameshift variant. On other transcripts: 5 prime UTR variant (4), non-coding transcript variant (1).
Genome position: GRCh38 VCF-style: chr22-29604012-T-TG. GRCh37 (hg19) VCF-style: chr22-30000001-T-TG.
Other names: c.-217_-216insG (NM_001407053.1, NM_001407056.1); c.14_15insG, p.Ile5fs (NM_001407054.1, NM_001407055.1, NM_001407057.1 and 15 more transcripts); c.-627_-626insG (NM_001407065.1); c.-243_-242insG (NM_001407067.1); short protein forms I5fs.
Identifiers: ClinVar variation 2822125 (VCV002822125.3), dbSNP rs2518225875, ClinGen allele CA2739267861.